The following is an entry in ClinVar:

ClinVar aggregate classification (germline): Conflicting classifications of pathogenicity. Review status: criteria provided, conflicting classifications (1 of 4 stars). 5 submissions from 4 submitters: Uncertain significance (4); Benign (1). Last evaluated 2025-11-05.

Conditions:
Hereditary cancer-predisposing syndrome. Also called: Tumor predisposition; Hereditary neoplastic syndrome; Neoplastic Syndromes, Hereditary; Hereditary Cancer Syndrome. Identifiers: Orphanet 140162, MedGen C0027672, MeSH D009386, MONDO:0015356.
Cardiovascular phenotype. Identifiers: MedGen CN230736.
Neurofibromatosis, type 1 (NF1). Also called: Peripheral type neurofibromatosis; NEUROFIBROMATOSIS, TYPE I, SOMATIC; Neurofibromatosis, type I; VON RECKLINGHAUSEN DISEASE. Identifiers: Orphanet 636, MedGen C0027831, MONDO:0018975, OMIM 162200. Disease mechanism: loss of function.

Allele frequency attached by ClinVar (database versions not stated): gnomAD exomes below 0.00001; ExAC 0.00001.
gnomAD v4.1: 5 of 1,613,630 alleles (0.00031%); highest among the groups gnomAD compares: Non-Finnish European, 0.00042%; no homozygotes.

Submissions (5):

Labcorp Genetics (formerly Invitae), Labcorp
Classification: Benign for Neurofibromatosis, type 1. Last evaluated: 2025-11-05. Review status: criteria provided, single submitter. Criteria: Invitae Variant Classification Sherloc (09022015). Collection method: clinical testing. Allele origin: germline.

Ambry Genetics
Classification: Uncertain significance for Cardiovascular phenotype; Hereditary cancer-predisposing syndrome. Last evaluated: 2022-07-08. Review status: criteria provided, single submitter. Criteria: Ambry Variant Classification Scheme 2023. Collection method: clinical testing. Allele origin: germline.

Mendelics
Classification: Uncertain significance. Last evaluated: 2022-05-04. Review status: criteria provided, single submitter. Criteria: Mendelics Assertion Criteria 2019. Collection method: clinical testing. Allele origin: germline.

Genome-Nilou Lab
Classification: Uncertain significance for Neurofibromatosis, type 1. Last evaluated: 2022-03-15. Review status: criteria provided, single submitter. Criteria: ACMG Guidelines, 2015. Collection method: clinical testing. Allele origin: germline. Affected: no.

Ambry Genetics
Classification: Uncertain significance for Hereditary cancer-predisposing syndrome. Last evaluated: 2015-04-09. Review status: criteria provided, single submitter. Criteria: Ambry Autosomal Dominant and X-Linked criteria (10/2015). Collection method: clinical testing. Allele origin: germline. Observed: 1 variant allele.
Comment: The p.N2421S variant (also known as c.7262A>G), located in coding exon 49 of the NF1 gene, results from an A to G substitution at nucleotide position 7262. The asparagine at codon 2421 is replaced by serine, an amino acid with highly similar properties. This variant was not reported in population based cohorts in the following databases: Database of Single Nucleotide Polymorphisms (dbSNP), NHLBI Exome Sequencing Project (ESP), and 1000 Genomes Project. In the ESP, this variant was not observed in 6503 samples (13006 alleles) with coverage at this position. To date, this alteration has been detected with an allele frequency of approximately 0.003% (greater than 30000alleles tested) in our clinical cohort.This amino acid position is well conserved in available vertebrate species. In addition, this alteration is predicted to be tolerated by in silico analysis.Since supporting evidence is limited at this time, the clinical significance of p.N2421Sremains unclear.

NM_001042492.3(NF1):c.7262A>G (p.Asn2421Ser)

Gene: NF1 (neurofibromin 1; plus strand). Cytogenetic location: 17q11.2.
Variant type: single nucleotide variant.
Coding change: c.7262A>G on transcript NM_001042492.3 (MANE Select); coding-DNA position 7262, A replaced by G.
Protein change: p.Asn2421Ser; replaces asparagine 2421 with serine.
Molecular consequence: missense variant.
Genome position (GRCh38, 1-based): chr17:31,349,192, A>G. VCF-style: chr17-31349192-A-G. GRCh37 (hg19) VCF-style: chr17-29676210-A-G.
Other names: c.7199A>G, p.Asn2400Ser (NM_000267.4); short protein forms N2421S, N2400S.
Identifiers: ClinVar variation 220340 (VCV000220340.10), dbSNP rs774339063, ClinGen allele CA350447.